The following is an entry in ClinVar:

NM_000297.4(PKD2):c.2291A>T (p.Gln764Leu)

Gene: PKD2 (polycystin 2, transient receptor potential cation channel; plus strand). Cytogenetic location: 4q22.1.
Variant type: single nucleotide variant.
Coding change: c.2291A>T on transcript NM_000297.4 (MANE Select); coding-DNA position 2291, A replaced by T.
Protein change: p.Gln764Leu; replaces glutamine 764 with leucine.
Molecular consequence: missense variant. On other transcripts: non-coding transcript variant (1).
Genome position (GRCh38, 1-based): chr4:88,065,812, A>T. VCF-style: chr4-88065812-A-T. GRCh37 (hg19) VCF-style: chr4-88986964-A-T.
Other names: short protein forms Q764L.
Identifiers: ClinVar variation 432281 (VCV000432281.4), dbSNP rs1553927827, ClinGen allele CA357625064.

ClinVar aggregate classification (germline): Uncertain significance. Review status: criteria provided, multiple submitters, no conflicts (2 of 4 stars). 2 submissions from 2 submitters: Uncertain significance (2). Last evaluated 2024-11-18.

Conditions:
Autosomal dominant polycystic kidney disease. Identifiers: Orphanet 730, MedGen C0085413, MONDO:0004691.

Submissions (2):

Labcorp Genetics (formerly Invitae), Labcorp
Classification: Uncertain significance for Autosomal dominant polycystic kidney disease. Last evaluated: 2024-11-18. Review status: criteria provided, single submitter. Criteria: Invitae Variant Classification Sherloc (09022015). Collection method: clinical testing. Allele origin: germline.
Comment: This sequence change replaces glutamine, which is neutral and polar, with leucine, which is neutral and non-polar, at codon 764 of the PKD2 protein (p.Gln764Leu). This variant is not present in population databases (gnomAD no frequency). This missense change has been observed in individual(s) with structural congenital anomalies (PMID: 36999085). ClinVar contains an entry for this variant (Variation ID: 432281). Invitae Evidence Modeling of protein sequence and biophysical properties (such as structural, functional, and spatial information, amino acid conservation, physicochemical variation, residue mobility, and thermodynamic stability) indicates that this missense variant is not expected to disrupt PKD2 protein function with a negative predictive value of 80%. In summary, the available evidence is currently insufficient to determine the role of this variant in disease. Therefore, it has been classified as a Variant of Uncertain Significance.

GeneDx
Classification: Uncertain significance. Last evaluated: 2017-05-31. Review status: criteria provided, single submitter. Criteria: GeneDx Variant Classification (06012015). Collection method: clinical testing. Allele origin: germline. Affected: yes.
Comment: The Q764L variant in the PKD2 gene has not been reported previously as a pathogenic variant, nor as a benign variant, to our knowledge. This variant is not observed in large population cohorts (Lek et al., 2016; 1000 Genomes Consortium et al., 2015; Exome Variant Server). The Q764L variant is a non-conservative amino acid substitution, which is likely to impact secondary protein structure as these residues differ in polarity, charge, size and/or other properties. his substitution occurs at a position that is not conserved. In silico analysis is inconsistent in its predictions as to whether or not the variant is damaging to the protein structure/function. Based on currently available evidence, we interpret Q764L as a variant of uncertain significance.

Literature cited by the submitters: PubMed 36999085 (cited by Labcorp Genetics (formerly Invitae), Labcorp).